The following is an entry in ClinVar:

ClinVar aggregate classification (germline): Uncertain significance (1 of 4 stars; one submission).

Conditions:
Kabuki syndrome. Also called: Kabuki make-up syndrome; NIIKAWA-KUROKI SYNDROME. Identifiers: Orphanet 2322, MedGen C0796004, MONDO:0016512.

Submission:

Labcorp Genetics (formerly Invitae), Labcorp
Classification: Uncertain significance for Kabuki syndrome. Last evaluated: 2025-07-21. Review status: criteria provided, single submitter. Criteria: Invitae Variant Classification Sherloc (09022015). Collection method: clinical testing. Allele origin: germline.
Comment: This sequence change replaces glutamic acid, which is acidic and polar, with lysine, which is basic and polar, at codon 4316 of the KMT2D protein (p.Glu4316Lys). This variant is not present in population databases (gnomAD no frequency). This variant has not been reported in the literature in individuals affected with KMT2D-related conditions. ClinVar contains an entry for this variant (Variation ID: 2768004). Invitae Evidence Modeling of protein sequence and biophysical properties (such as structural, functional, and spatial information, amino acid conservation, physicochemical variation, residue mobility, and thermodynamic stability) indicates that this missense variant is not expected to disrupt KMT2D protein function with a negative predictive value of 95%. In summary, the available evidence is currently insufficient to determine the role of this variant in disease. Therefore, it has been classified as a Variant of Uncertain Significance.

NM_003482.4(KMT2D):c.12946G>A (p.Glu4316Lys)

Gene: KMT2D (lysine methyltransferase 2D; minus strand). Cytogenetic location: 12q13.12.
Variant type: single nucleotide variant.
Coding change: c.12946G>A on transcript NM_003482.4 (MANE Select); coding-DNA position 12946, G replaced by A.
Protein change: p.Glu4316Lys; replaces glutamic acid 4316 with lysine.
Molecular consequence: missense variant.
Genome position (GRCh38, 1-based): chr12:49,031,759, C>T on the plus strand (G>A on the coding strand, the complement: KMT2D is on the minus strand). VCF-style: chr12-49031759-C-T. GRCh37 (hg19) VCF-style: chr12-49425542-C-T.
Other names: short protein forms E4316K.
Identifiers: ClinVar variation 2768004 (VCV002768004.3), dbSNP rs2120423939, ClinGen allele CA384708403.